The following is an entry in ClinVar:

NM_000059.4(BRCA2):c.3269T>G (p.Met1090Arg)

Gene: BRCA2 (BRCA2 DNA repair associated; plus strand). Cytogenetic location: 13q13.1.
Variant type: single nucleotide variant.
Coding change: c.3269T>G on transcript NM_000059.4 (MANE Select); coding-DNA position 3269, T replaced by G.
Protein change: p.Met1090Arg; replaces methionine 1090 with arginine.
Molecular consequence: missense variant.
Genome position (GRCh38, 1-based): chr13:32,337,624, T>G. VCF-style: chr13-32337624-T-G. GRCh37 (hg19) VCF-style: chr13-32911761-T-G.
Other names: short protein forms M1090R.
Identifiers: ClinVar variation 1373398 (VCV001373398.10), dbSNP rs2137494922, ClinGen allele CA387776045.

ClinVar aggregate classification (germline): Conflicting classifications of pathogenicity. Review status: criteria provided, conflicting classifications (1 of 4 stars). 3 submissions from 3 submitters: Uncertain significance (2); Likely benign (1). Last evaluated 2025-06-23.

Conditions:
Hereditary cancer-predisposing syndrome. Also called: Neoplastic Syndromes, Hereditary; Tumor predisposition; Hereditary neoplastic syndrome; Hereditary Cancer Syndrome. Identifiers: Orphanet 140162, MedGen C0027672, MeSH D009386, MONDO:0015356.
Hereditary breast ovarian cancer syndrome. Also called: BRCA1- and BRCA2-Associated Hereditary Breast and Ovarian Cancer; Hereditary breast and ovarian cancer; Hereditary breast and ovarian cancer syndrome; Hereditary breast and/or ovarian cancer syndrome; Hereditary breast and ovarian cancer syndrome (HBOC); Breast and ovarian cancer. Identifiers: Orphanet 145, MedGen C0677776, MeSH D061325, MONDO:0003582. Disease mechanism: loss of function.

Allele frequency attached by ClinVar (database versions not stated): gnomAD exomes below 0.00001.

Submissions (3):

Color Diagnostics, LLC DBA Color Health
Classification: Uncertain significance for Hereditary cancer-predisposing syndrome. Last evaluated: 2025-06-23. Review status: criteria provided, single submitter. Criteria: ACMG Guidelines, 2015. Collection method: clinical testing. Allele origin: germline.
Comment: This missense variant replaces methionine with arginine at codon 1090 of the BRCA2 protein. Computational prediction suggests that this variant may not impact protein structure and function. To our knowledge, functional studies have not been reported for this variant. This variant has not been reported in individuals affected with BRCA2-related disorders in the literature. This variant has not been identified in the general population by the Genome Aggregation Database (gnomAD). The available evidence is insufficient to determine the role of this variant in disease conclusively. Therefore, this variant is classified as a Variant of Uncertain Significance.

Labcorp Genetics (formerly Invitae), Labcorp
Classification: Uncertain significance for Hereditary breast ovarian cancer syndrome. Last evaluated: 2024-05-12. Review status: criteria provided, single submitter. Criteria: Invitae Variant Classification Sherloc (09022015). Collection method: clinical testing. Allele origin: germline.
Comment: This sequence change replaces methionine, which is neutral and non-polar, with arginine, which is basic and polar, at codon 1090 of the BRCA2 protein (p.Met1090Arg). This variant is not present in population databases (gnomAD no frequency). This variant has not been reported in the literature in individuals affected with BRCA2-related conditions. ClinVar contains an entry for this variant (Variation ID: 1373398). Advanced modeling of protein sequence and biophysical properties (such as structural, functional, and spatial information, amino acid conservation, physicochemical variation, residue mobility, and thermodynamic stability) performed at Invitae indicates that this missense variant is not expected to disrupt BRCA2 protein function with a negative predictive value of 95%. In summary, the available evidence is currently insufficient to determine the role of this variant in disease. Therefore, it has been classified as a Variant of Uncertain Significance.

University of Washington Department of Laboratory Medicine, University of Washington
Classification: Likely benign for Hereditary cancer-predisposing syndrome. Last evaluated: 2023-03-23. Review status: criteria provided, single submitter. Criteria: Dines et al. (Genet Med. 2020). Collection method: curation. Allele origin: germline.
Comment: Missense variant in a coldspot region where missense variants are very unlikely to be pathogenic (PMID:31911673).

BRCA2 exon 11 coldspot. Reclassification based on statistical prior probability.